The following is an entry in ClinVar:

NM_001928.4(CFD):c.646G>A (p.Gly216Ser)

Gene: CFD (complement factor D; plus strand). Cytogenetic location: 19p13.3.
Variant type: single nucleotide variant.
Coding change: c.646G>A on transcript NM_001928.4 (MANE Select); coding-DNA position 646, G replaced by A.
Protein change: p.Gly216Ser; replaces glycine 216 with serine.
Molecular consequence: missense variant.
Genome position (GRCh38, 1-based): chr19:863,122, G>A. VCF-style: chr19-863122-G-A. GRCh37 (hg19) VCF-style: chr19-863122-G-A.
Other names: c.667G>A, p.Gly223Ser (NM_001317335.2); short protein forms G216S, G223S.
Identifiers: ClinVar variation 3898024 (VCV003898024.1).

ClinVar aggregate classification (germline): Uncertain significance (1 of 4 stars; one submission).

Conditions:
Recurrent Neisseria infections due to factor D deficiency. Also called: FACTOR D DEFICIENCY. Identifiers: Orphanet 169467, MedGen C0398764, MONDO:0013487, OMIM 613912.

Submission:

Neuberg Centre For Genomic Medicine, NCGM
Classification: Uncertain significance for Recurrent Neisseria infections due to factor D deficiency. Last evaluated: 2024-02-01. Review status: criteria provided, single submitter. Criteria: ACMG Guidelines, 2015. Collection method: clinical testing. Allele origin: germline. Inheritance: Autosomal recessive inheritance.
Comment: This variant in CFD gene has not been reported previously as a pathogenic variant nor as a benign variant, to our knowledge. In the absence of another reportable variant, the molecular diagnosis is not confirmed.